The following is an entry in ClinVar:

ClinVar aggregate classification (germline): Uncertain significance (1 of 4 stars; one submission).

gnomAD v4.1: 9 of 1,613,954 alleles (0.00056%); highest among the groups gnomAD compares: Admixed American, 0.0083%; no homozygotes.

Submission:

GeneDx
Classification: Uncertain significance. Last evaluated: 2025-09-15. Review status: criteria provided, single submitter. Criteria: GeneDx Variant Classification Process June 2021. Collection method: clinical testing. Allele origin: germline.
Comment: In silico analysis supports that this missense variant has a deleterious effect on protein structure/function; Has not been previously published as pathogenic or benign to our knowledge

NM_004667.6(HERC2):c.13486G>A (p.Gly4496Arg)

Gene: HERC2 (HECT and RLD domain containing E3 ubiquitin protein ligase 2; minus strand). Cytogenetic location: 15q13.1.
Variant type: single nucleotide variant.
Coding change: c.13486G>A on transcript NM_004667.6 (MANE Select); coding-DNA position 13486, G replaced by A.
Protein change: p.Gly4496Arg; replaces glycine 4496 with arginine.
Molecular consequence: missense variant.
Genome position (GRCh38, 1-based): chr15:28,116,788, C>T on the plus strand (G>A on the coding strand, the complement: HERC2 is on the minus strand). VCF-style: chr15-28116788-C-T. GRCh37 (hg19) VCF-style: chr15-28361934-C-T.
Other names: short protein forms G4496R.
Identifiers: ClinVar variation 3900841 (VCV003900841.2).